The following is an entry in ClinVar:

NM_003072.5(SMARCA4):c.3957G>A (p.Met1319Ile)

Gene: SMARCA4 (SWI/SNF related BAF chromatin remodeling complex subunit ATPase 4; plus strand). Cytogenetic location: 19p13.2.
Variant type: single nucleotide variant.
Coding change: c.3957G>A on transcript NM_003072.5 (MANE Select); coding-DNA position 3957, G replaced by A.
Protein change: p.Met1319Ile; replaces methionine 1319 with isoleucine.
Molecular consequence: missense variant. On other transcripts: non-coding transcript variant (1).
Genome position (GRCh38, 1-based): chr19:11,034,919, G>A. VCF-style: chr19-11034919-G-A. GRCh37 (hg19) VCF-style: chr19-11145595-G-A.
Other names: c.3957G>A, p.Met1319Ile (NM_001128844.3, NM_001128849.3, NM_001387283.1); c.3858G>A, p.Met1286Ile (NM_001128845.2, NM_001128846.2, NM_001128847.4 and 3 more transcripts); short protein forms M1319I, M1286I.
Identifiers: ClinVar variation 1973820 (VCV001973820.5), dbSNP rs2146695863, ClinGen allele CA404067991.
Genomic context (GRCh38, chr19:11,034,919, plus strand): 5'-CGTGCCCCTGGTGCCTGCATGCTGATGCCTCTCCCGTTGCCTCCCTGCCCACCAGCGCAT[G>A]GACCTGGACCGCAGGCGCGAGGAGGCCCGCAACCCCAAGCGGAAGCCGCGCCTCATGGAG-3'
Protein context (NP_003063.2, residues 1309-1329): HEEEFDLFMR[Met1319Ile]DLDRRREEAR

ClinVar aggregate classification (germline): Uncertain significance (1 of 4 stars; one submission).

Conditions:
Rhabdoid tumor predisposition syndrome 2 (RTPS2). Identifiers: Orphanet 231108, Orphanet 69077, MedGen C2750074, MONDO:0013224, OMIM 613325.

Submission:

Labcorp Genetics (formerly Invitae), Labcorp
Classification: Uncertain significance for Rhabdoid tumor predisposition syndrome 2. Last evaluated: 2022-08-23. Review status: criteria provided, single submitter. Criteria: Invitae Variant Classification Sherloc (09022015). Collection method: clinical testing. Allele origin: germline.
Comment: This variant has not been reported in the literature in individuals affected with SMARCA4-related conditions. This variant is not present in population databases (gnomAD no frequency). This sequence change replaces methionine, which is neutral and non-polar, with isoleucine, which is neutral and non-polar, at codon 1319 of the SMARCA4 protein (p.Met1319Ile). Algorithms developed to predict the effect of missense changes on protein structure and function (SIFT, PolyPhen-2, Align-GVGD) all suggest that this variant is likely to be tolerated. In summary, the available evidence is currently insufficient to determine the role of this variant in disease. Therefore, it has been classified as a Variant of Uncertain Significance.